The following is an entry in ClinVar:

NM_139321.3(ATRN):c.462C>T (p.Tyr154=)

Gene: ATRN (attractin; plus strand). Cytogenetic location: 20p13.
Variant type: single nucleotide variant.
Coding change: c.462C>T on transcript NM_139321.3 (MANE Select); coding-DNA position 462, C replaced by T.
Protein change: p.Tyr154=; no amino-acid change (tyrosine 154 retained).
Molecular consequence: synonymous variant.
Genome position (GRCh38, 1-based): chr20:3,535,304, C>T. VCF-style: chr20-3535304-C-T. GRCh37 (hg19) VCF-style: chr20-3515951-C-T.
Other names: c.462C>T (NM_139321.2); c.114C>T, p.Tyr38= (NM_001207047.3); c.462C>T, p.Tyr154= (NM_001323332.2, NM_139322.4).
Identifiers: ClinVar variation 1165619 (VCV001165619.12), dbSNP rs151519, ClinGen allele CA9743803.

ClinVar aggregate classification (germline): Benign. Review status: criteria provided, multiple submitters, no conflicts (2 of 4 stars). 3 submissions from 3 submitters: Benign (2). 1 of the submissions does not count toward it. Last evaluated 2026-02-02.

Conditions:
ATRN-related disorder. Also called: ATRN-related condition.

Allele frequency attached by ClinVar (database versions not stated): ExAC 0.22468; gnomAD 0.27708 and 0.26770; 1000 Genomes Project 0.19209; gnomAD exomes 0.20165 and 0.24896; TOPMed 0.27415; 1000 Genomes Project 30x 0.19738; ESP Exome Variant Server 0.29148.
gnomAD v4.1: 379,919 of 1,518,564 alleles (25%); highest among the groups gnomAD compares: African/African-American, 32%; 52,992 homozygotes.

Submissions (3):

Labcorp Genetics (formerly Invitae), Labcorp
Classification: Benign. Last evaluated: 2026-02-02. Review status: criteria provided, single submitter. Criteria: Invitae Variant Classification Sherloc (09022015). Collection method: clinical testing. Allele origin: germline.

Breakthrough Genomics
Classification: Benign. Review status: criteria provided, single submitter. Criteria: ACMG Guidelines, 2015. Collection method: not provided. Allele origin: germline. Inheritance: Unknown mechanism. Affected: yes.

PreventionGenetics, part of Exact Sciences
Classification: Benign for ATRN-related condition. Last evaluated: 2024-07-29. Review status: no assertion criteria provided. Collection method: clinical testing. Allele origin: germline. Not counted in ClinVar's aggregate classification.
Comment: This variant is classified as benign based on ACMG/AMP sequence variant interpretation guidelines (Richards et al. 2015 PMID: 25741868, with internal and published modifications).